The following is an entry in ClinVar:

NM_201253.3(CRB1):c.2818C>T (p.Gln940Ter)

Gene: CRB1 (crumbs cell polarity complex component 1; plus strand). Cytogenetic location: 1q31.3.
Variant type: single nucleotide variant.
Coding change: c.2818C>T on transcript NM_201253.3 (MANE Select); coding-DNA position 2818, C replaced by T.
Protein change: p.Gln940Ter; replaces glutamine 940 with a stop codon.
Molecular consequence: nonsense. On other transcripts: non-coding transcript variant (2), intron variant (1).
Genome position (GRCh38, 1-based): chr1:197,429,590, C>T. VCF-style: chr1-197429590-C-T. GRCh37 (hg19) VCF-style: chr1-197398720-C-T.
Other names: c.2482C>T, p.Gln828Ter (NM_001193640.2); c.2746C>T, p.Gln916Ter (NM_001257965.2); c.2129-6010C>T (NM_001257966.2); short protein forms Q828*, Q916*, Q940*.
Identifiers: ClinVar variation 1072460 (VCV001072460.10), dbSNP rs2125489182, ClinGen allele CA344041314.

ClinVar aggregate classification (germline): Pathogenic (1 of 4 stars; one submission).

Conditions:
Retinitis pigmentosa 12 (RP12). Also called: RP WITH OR WITHOUT PPRPE; RP WITH OR WITHOUT PRESERVED PARAARTERIOLE RETINAL PIGMENT EPITHELIUM; RETINITIS PIGMENTOSA WITH OR WITHOUT PARAARTERIOLAR PRESERVATION OF RETINAL PIGMENT EPITHELIUM. Identifiers: Orphanet 791, MedGen C1838647, MONDO:0010818, OMIM 600105.
Leber congenital amaurosis 8 (LCA8). Identifiers: Orphanet 65, MedGen C3151202, MONDO:0013453, OMIM 613835.

Submission:

Labcorp Genetics (formerly Invitae), Labcorp
Classification: Pathogenic for Leber congenital amaurosis 8; Retinitis pigmentosa 12. Last evaluated: 2022-09-13. Review status: criteria provided, single submitter. Criteria: Invitae Variant Classification Sherloc (09022015). Collection method: clinical testing. Allele origin: germline.
Comment: ClinVar contains an entry for this variant (Variation ID: 1072460). Algorithms developed to predict the effect of sequence changes on RNA splicing suggest that this variant may disrupt the consensus splice site. For these reasons, this variant has been classified as Pathogenic. This sequence change creates a premature translational stop signal (p.Gln940*) in the CRB1 gene. It is expected to result in an absent or disrupted protein product. Loss-of-function variants in CRB1 are known to be pathogenic (PMID: 10508521, 22065545, 23379534, 25412400, 26957898, 28041643, 29391521). This variant is not present in population databases (gnomAD no frequency). This premature translational stop signal has been observed in individual(s) with clinical features of autosomal recessive retinal disease (Invitae).

Literature cited by the submitters: PubMed 10508521; PubMed 22065545; PubMed 23379534; PubMed 25412400; PubMed 26957898; PubMed 28041643; PubMed 29391521.